The following is an entry in ClinVar:

NM_002386.4(MC1R):c.526A>G (p.Ser176Gly)

Gene: MC1R (melanocortin 1 receptor; plus strand). Cytogenetic location: 16q24.3.
Variant type: single nucleotide variant.
Coding change: c.526A>G on transcript NM_002386.4 (MANE Select); coding-DNA position 526, A replaced by G.
Protein change: p.Ser176Gly; replaces serine 176 with glycine.
Molecular consequence: missense variant.
Genome position (GRCh38, 1-based): chr16:89,919,784, A>G. VCF-style: chr16-89919784-A-G. GRCh37 (hg19) VCF-style: chr16-89986192-A-G.
Other names: short protein forms S176G.
Identifiers: ClinVar variation 3543957 (VCV003543957.1).

ClinVar aggregate classification (germline): Uncertain significance (1 of 4 stars; one submission).

gnomAD v4.1: 2 of 1,608,398 alleles (0.00012%); highest among the groups gnomAD compares: African/African-American, 0.0013%; no homozygotes.

Submission:

Ambry Genetics
Classification: Uncertain significance. Last evaluated: 2024-11-22. Review status: criteria provided, single submitter. Criteria: Ambry Variant Classification Scheme 2023. Collection method: clinical testing. Allele origin: germline.
Comment: The p.S176G variant (also known as c.526A>G), located in coding exon 1 of the MC1R gene, results from an A to G substitution at nucleotide position 526. The serine at codon 176 is replaced by glycine, an amino acid with similar properties. This amino acid position is conserved. In addition, this alteration is predicted to be tolerated by in silico analysis. Based on the available evidence, the clinical significance of this variant remains unclear.